The following is an entry in ClinVar:

NM_014989.7(RIMS1):c.463G>A (p.Asp155Asn)

Gene: RIMS1 (regulating synaptic membrane exocytosis 1; plus strand). Cytogenetic location: 6q13.
Variant type: single nucleotide variant.
Coding change: c.463G>A on transcript NM_014989.7 (MANE Select); coding-DNA position 463, G replaced by A.
Protein change: p.Asp155Asn; replaces aspartic acid 155 with asparagine.
Molecular consequence: missense variant.
Genome position (GRCh38, 1-based): chr6:72,099,978, G>A. VCF-style: chr6-72099978-G-A. GRCh37 (hg19) VCF-style: chr6-72809681-G-A.
Other names: c.460G>A, p.Asp154Asn (NM_001350411.1); c.382G>A, p.Asp128Asn (NM_001350412.1); c.463G>A, p.Asp155Asn (NM_001350413.1); short protein forms D128N, D154N, D155N.
Identifiers: ClinVar variation 1024511 (VCV001024511.8), dbSNP rs771667572, ClinGen allele CA3885506.

ClinVar aggregate classification (germline): Uncertain significance (1 of 4 stars; one submission).

Allele frequency attached by ClinVar (database versions not stated): gnomAD 0.00001; gnomAD exomes 0.00001 and 0.00004; TOPMed 0.00002; ExAC 0.00003.
gnomAD v4.1: 12 of 1,606,018 alleles (0.00075%); highest among the groups gnomAD compares: Admixed American, 0.02%; no homozygotes.

Submission:

Labcorp Genetics (formerly Invitae), Labcorp
Classification: Uncertain significance. Last evaluated: 2024-06-20. Review status: criteria provided, single submitter. Criteria: Invitae Variant Classification Sherloc (09022015). Collection method: clinical testing. Allele origin: germline.
Comment: This sequence change replaces aspartic acid, which is acidic and polar, with asparagine, which is neutral and polar, at codon 155 of the RIMS1 protein (p.Asp155Asn). This variant is present in population databases (rs771667572, gnomAD 0.03%). This variant has not been reported in the literature in individuals affected with RIMS1-related conditions. ClinVar contains an entry for this variant (Variation ID: 1024511). An algorithm developed to predict the effect of missense changes on protein structure and function (PolyPhen-2) suggests that this variant is likely to be disruptive. In summary, the available evidence is currently insufficient to determine the role of this variant in disease. Therefore, it has been classified as a Variant of Uncertain Significance.